The following is an entry in ClinVar:

ClinVar aggregate classification (germline): Uncertain significance (1 of 4 stars; one submission).

Conditions:
Ehlers-Danlos syndrome, classic type, 1 (EDSCL1). Also called: EHLERS-DANLOS SYNDROME, GRAVIS TYPE; EHLERS-DANLOS SYNDROME, SEVERE CLASSIC TYPE; Ehlers-Danlos syndrome, type 1; Ehlers-Danlos Syndrome, Classic Type, COL5A1-Related; EDS I. Identifiers: MedGen C0268335, MONDO:0019567, OMIM 130000.
Osteogenesis imperfecta type I (OI1). Also called: OI, TYPE I; OSTEOGENESIS IMPERFECTA TARDA; OSTEOGENESIS IMPERFECTA WITH BLUE SCLERAE; Osteogenesis imperfecta type 1; Lobstein's Disease; Lobstein disease. Identifiers: Orphanet 216796, Orphanet 666, MedGen C0023931, MONDO:0008146, OMIM 166200. Disease mechanism: loss of function.

Submission:

Labcorp Genetics (formerly Invitae), Labcorp
Classification: Uncertain significance for Osteogenesis imperfecta type I; Ehlers-Danlos syndrome, classic type, 1. Last evaluated: 2024-10-21. Review status: criteria provided, single submitter. Criteria: Invitae Variant Classification Sherloc (09022015). Collection method: clinical testing. Allele origin: germline.
Comment: This sequence change replaces glycine, which is neutral and non-polar, with valine, which is neutral and non-polar, at codon 1176 of the COL1A2 protein (p.Gly1176Val). This variant is not present in population databases (gnomAD no frequency). This missense change has been observed in individual(s) with clinical features of autosomal dominant COL1A2-related conditions (PMID: 18375391). Algorithms developed to predict the effect of variants on gene product structure and function are not available or were not evaluated for this variant. Experimental studies are conflicting or provide insufficient evidence to determine the effect of this variant on COL1A2 function (PMID: 18375391, 32482890). In summary, the available evidence is currently insufficient to determine the role of this variant in disease. Therefore, it has been classified as a Variant of Uncertain Significance.

Literature cited by the submitters: PubMed 18375391; PubMed 32482890.

NM_000089.4(COL1A2):c.3527G>T (p.Gly1176Val)

Gene: COL1A2 (collagen type I alpha 2 chain; plus strand). Cytogenetic location: 7q21.3.
Variant type: single nucleotide variant.
Coding change: c.3527G>T on transcript NM_000089.4 (MANE Select); coding-DNA position 3527, G replaced by T.
Protein change: p.Gly1176Val; replaces glycine 1176 with valine.
Molecular consequence: missense variant.
Genome position (GRCh38, 1-based): chr7:94,428,293, G>T. VCF-style: chr7-94428293-G-T. GRCh37 (hg19) VCF-style: chr7-94057605-G-T.
Other names: short protein forms G1176V.
Identifiers: ClinVar variation 3759122 (VCV003759122.2).